The following is an entry in ClinVar:

ClinVar aggregate classification (germline): Uncertain significance (1 of 4 stars; one submission).

Conditions:
Pyogenic arthritis-pyoderma gangrenosum-acne syndrome (PAPA). Also called: FAMILIAL RECURRENT ARTHRITIS; PAPA SYNDROME. Identifiers: Orphanet 69126, MedGen C1858361, MONDO:0011462, OMIM 604416.

Submission:

Labcorp Genetics (formerly Invitae), Labcorp
Classification: Uncertain significance for Pyogenic arthritis-pyoderma gangrenosum-acne syndrome. Last evaluated: 2022-08-23. Review status: criteria provided, single submitter. Criteria: Invitae Variant Classification Sherloc (09022015). Collection method: clinical testing. Allele origin: germline.
Comment: This sequence change replaces glycine, which is neutral and non-polar, with valine, which is neutral and non-polar, at codon 355 of the PSTPIP1 protein (p.Gly355Val). This variant is not present in population databases (gnomAD no frequency). In summary, the available evidence is currently insufficient to determine the role of this variant in disease. Therefore, it has been classified as a Variant of Uncertain Significance. Algorithms developed to predict the effect of sequence changes on RNA splicing suggest that this variant may create or strengthen a splice site. Algorithms developed to predict the effect of missense changes on protein structure and function (SIFT, PolyPhen-2, Align-GVGD) all suggest that this variant is likely to be tolerated. ClinVar contains an entry for this variant (Variation ID: 1521023). This variant has not been reported in the literature in individuals affected with PSTPIP1-related conditions.

NM_003978.5(PSTPIP1):c.1064G>T (p.Gly355Val)

Gene: PSTPIP1 (proline-serine-threonine phosphatase interacting protein 1; plus strand). Cytogenetic location: 15q24.3.
Variant type: single nucleotide variant.
Coding change: c.1064G>T on transcript NM_003978.5 (MANE Select); coding-DNA position 1064, G replaced by T.
Protein change: p.Gly355Val; replaces glycine 355 with valine.
Molecular consequence: missense variant. On other transcripts: non-coding transcript variant (1).
Genome position (GRCh38, 1-based): chr15:77,035,880, G>T. VCF-style: chr15-77035880-G-T. GRCh37 (hg19) VCF-style: chr15-77328221-G-T.
Other names: c.1007G>T, p.Gly336Val (NM_001321135.2); c.1037G>T, p.Gly346Val (NM_001321136.2); c.1259G>T, p.Gly420Val (NM_001321137.1); short protein forms G336V, G346V, G355V, G420V.
Identifiers: ClinVar variation 1521023 (VCV001521023.8), dbSNP rs2152692046, ClinGen allele CA393521798.
Genomic context (GRCh38, chr15:77,035,880, plus strand): 5'-CCCCCACCCCCGAGCGGAATGAGGGTGTCTACACAGCCATCGCAGTGCAGGAGATACAGG[G>T]AAACCCGGCCTCACCAGCCCAGGAGTACCGGGCGCTCTACGATTATACAGCGCAGGTGAG-3'
Protein context (NP_003969.2, residues 345-365): YTAIAVQEIQ[Gly355Val]NPASPAQEYR